The following is an entry in ClinVar:

ClinVar aggregate classification (germline): Uncertain significance. Review status: criteria provided, multiple submitters, no conflicts (2 of 4 stars). 2 submissions from 2 submitters: Uncertain significance (2). Last evaluated 2024-04-29.

Conditions:
Obesity due to CEP19 deficiency. Also called: Morbid obesity and spermatogenic failure. Identifiers: Orphanet 397615, MedGen C3810324, MONDO:0014309, OMIM 615703.

Allele frequency attached by ClinVar (database versions not stated): ExAC 0.00001; gnomAD exomes 0.00001; TOPMed 0.00001.
gnomAD v4.1: 10 of 1,614,128 alleles (0.00062%); highest among the groups gnomAD compares: East Asian, 0.0067%; no homozygotes.

Submissions (2):

Labcorp Genetics (formerly Invitae), Labcorp
Classification: Uncertain significance. Last evaluated: 2024-04-29. Review status: criteria provided, single submitter. Criteria: Invitae Variant Classification Sherloc (09022015). Collection method: clinical testing. Allele origin: germline.
Comment: This sequence change replaces arginine, which is basic and polar, with cysteine, which is neutral and slightly polar, at codon 34 of the CEP19 protein (p.Arg34Cys). This variant is present in population databases (rs773149461, gnomAD 0.01%). This variant has not been reported in the literature in individuals affected with CEP19-related conditions. ClinVar contains an entry for this variant (Variation ID: 1940060). An algorithm developed to predict the effect of missense changes on protein structure and function (PolyPhen-2) suggests that this variant is likely to be tolerated. Algorithms developed to predict the effect of sequence changes on RNA splicing suggest that this variant may disrupt the consensus splice site. In summary, the available evidence is currently insufficient to determine the role of this variant in disease. Therefore, it has been classified as a Variant of Uncertain Significance.

Juno Genomics, Hangzhou Juno Genomics, Inc
Classification: Uncertain significance for Obesity due to CEP19 deficiency. Review status: criteria provided, single submitter. Criteria: ACMG Guidelines, 2015. Collection method: clinical testing. Allele origin: germline.
Comment: Absent from controls (or at extremely low frequency if recessive) in Genome Aggregation Database.;Multiple lines of computational evidence support a deleterious effect on the gene or gene product.

NM_032898.5(CEP19):c.88C>T (p.Arg30Cys)

Gene: CEP19 (centrosomal protein 19; minus strand). Cytogenetic location: 3q29.
Variant type: single nucleotide variant.
Coding change: c.88C>T on transcript NM_032898.5 (MANE Select); coding-DNA position 88, C replaced by T.
Protein change: p.Arg30Cys; replaces arginine 30 with cysteine.
Molecular consequence: missense variant. On other transcripts: intron variant (1).
Genome position (GRCh38, 1-based): chr3:196,708,570, G>A on the plus strand (C>T on the coding strand, the complement: CEP19 is on the minus strand). VCF-style: chr3-196708570-G-A. GRCh37 (hg19) VCF-style: chr3-196435441-G-A.
Other names: c.88C>T, p.Arg30Cys (NM_001379469.1, NM_001379470.1); c.26-658C>T (NM_001379468.1); short protein forms R30C.
Identifiers: ClinVar variation 1940060 (VCV001940060.7), dbSNP rs773149461, ClinGen allele CA2782168.